The following is an entry in ClinVar:

ClinVar aggregate classification (germline): Conflicting classifications of pathogenicity. Review status: criteria provided, conflicting classifications (1 of 4 stars). 6 submissions from 6 submitters: Uncertain significance (3); Likely benign (3). Last evaluated 2026-06-29.

Conditions:
Sitosterolemia 1. Identifiers: MedGen C2749759, MONDO:0020747, OMIM 210250.
Cardiovascular phenotype. Identifiers: MedGen CN230736.

Allele frequency attached by ClinVar (database versions not stated): TOPMed 0.00184; gnomAD exomes 0.00046; gnomAD 0.00147 and 0.00158; ESP Exome Variant Server 0.00161; 1000 Genomes Project 30x 0.00234; ExAC 0.00053; 1000 Genomes Project 0.00220.
gnomAD v4.1: 510 of 1,614,078 alleles (0.032%); highest among the groups gnomAD compares: African/African-American, 0.53%; 6 homozygotes.

Submissions (6):

Women's Health and Genetics/Laboratory Corporation of America, LabCorp
Classification: Likely benign. Last evaluated: 2026-06-29. Review status: criteria provided, single submitter. Criteria: LabCorp Variant Classification Summary - May 2015. Collection method: clinical testing. Allele origin: germline.
Comment: Variant summary: ABCG8 c.1094C>T (p.Thr365Met) results in a non-conservative amino acid change in the encoded protein sequence. Algorithms developed to predict the effect of missense changes on protein structure and function are either unavailable or do not agree on the potential impact of this missense change. The variant allele was found at a frequency of 0.00046 in 251306 control chromosomes, predominantly at a frequency of 0.0056 within the African or African-American subpopulation in the gnomAD database, including 1 homozygote. The observed variant frequency within African or African-American control individuals in the gnomAD database exceeds the estimated maximal expected allele frequency for disease-causing variants in ABCG8. c.1094C>T has been reported in the literature in individuals affected with familial hypercholesterolemia patients who had lower LDL-C levels, without strong evidence for causality (Reeskamp_2020). This report does not provide unequivocal conclusions about association of the variant with Early Onset Coronary Artery Disease. To our knowledge, no experimental evidence demonstrating an impact on protein function has been reported. The following publication has been ascertained in the context of this evaluation (PMID: 32088153). ClinVar contains an entry for this variant (Variation ID: 287003). Based on the evidence outlined above, the variant was classified as likely benign.

Labcorp Genetics (formerly Invitae), Labcorp
Classification: Likely benign. Last evaluated: 2026-01-19. Review status: criteria provided, single submitter. Criteria: Invitae Variant Classification Sherloc (09022015). Collection method: clinical testing. Allele origin: germline.

Ambry Genetics
Classification: Likely benign for Cardiovascular phenotype. Last evaluated: 2024-11-10. Review status: criteria provided, single submitter. Criteria: Ambry Variant Classification Scheme 2023. Collection method: clinical testing. Allele origin: germline.

Mayo Clinic Laboratories, Mayo Clinic
Classification: Uncertain significance. Last evaluated: 2022-10-04. Review status: criteria provided, single submitter. Criteria: ACMG Guidelines, 2015. Collection method: clinical testing. Allele origin: germline. Observed: 2 variant alleles.

Eurofins Ntd Llc (ga)
Classification: Uncertain significance. Last evaluated: 2018-04-12. Review status: criteria provided, single submitter. Criteria: EGL ClinVar v180209 classification definitions. Collection method: clinical testing. Allele origin: germline. Observed: 5 variant alleles, 5 heterozygotes.

Illumina Laboratory Services, Illumina
Classification: Uncertain significance for Sitosterolemia 1. Last evaluated: 2018-01-13. Review status: criteria provided, single submitter. Criteria: ICSL Variant Classification Criteria 13 December 2019. Collection method: clinical testing. Allele origin: germline.

Literature cited by the submitters: PubMed 32088153 (cited by Women's Health and Genetics/Laboratory Corporation of America, LabCorp and Mayo Clinic Laboratories, Mayo Clinic).

NM_022437.3(ABCG8):c.1094C>T (p.Thr365Met)

Gene: ABCG8 (ATP binding cassette subfamily G member 8; plus strand). Cytogenetic location: 2p21.
Variant type: single nucleotide variant.
Coding change: c.1094C>T on transcript NM_022437.3 (MANE Select); coding-DNA position 1094, C replaced by T.
Protein change: p.Thr365Met; replaces threonine 365 with methionine.
Molecular consequence: missense variant.
Genome position (GRCh38, 1-based): chr2:43,872,105, C>T. VCF-style: chr2-43872105-C-T. GRCh37 (hg19) VCF-style: chr2-44099244-C-T.
Other names: p.Thr365Met; c.1094C>T, p.Thr365Met (NM_001357321.2); short protein forms T365M.
Identifiers: ClinVar variation 287003 (VCV000287003.22), dbSNP rs140778634, ClinGen allele CA1637275.